The following is an entry in ClinVar:

NM_001103.4(ACTN2):c.452C>T (p.Thr151Ile)

Gene: ACTN2 (actinin alpha 2; plus strand). Cytogenetic location: 1q43.
Variant type: single nucleotide variant.
Coding change: c.452C>T on transcript NM_001103.4 (MANE Select); coding-DNA position 452, C replaced by T.
Protein change: p.Thr151Ile; replaces threonine 151 with isoleucine.
Molecular consequence: missense variant. On other transcripts: non-coding transcript variant (1).
Genome position (GRCh38, 1-based): chr1:236,725,936, C>T. VCF-style: chr1-236725936-C-T. GRCh37 (hg19) VCF-style: chr1-236889236-C-T.
Other names: c.452C>T, p.Thr151Ile (NM_001278343.2); c.-370C>T (NM_001278344.2); c.-495C>T (NM_001412150.1); short protein forms T151I.
Identifiers: ClinVar variation 3236196 (VCV003236196.1), dbSNP rs2527559741, ClinGen allele CA345374501.

ClinVar aggregate classification (germline): Uncertain significance (1 of 4 stars; one submission).

Conditions:
Dilated cardiomyopathy 1AA (CMD1AA). Also called: CARDIOMYOPATHY, DILATED, 1AA, WITH OR WITHOUT LEFT VENTRICULAR NONCOMPACTION; CARDIOMYOPATHY, FAMILIAL HYPERTROPHIC, 23, WITH OR WITHOUT LEFT VENTRICULAR NONCOMPACTION; Cardiomyopathy, dilated, 1AA, with or without LVNC. Identifiers: Orphanet 154, MedGen C2677338, MONDO:0012808, OMIM 612158.

Submission:

MVZ Medizinische Genetik Mainz
Classification: Uncertain significance for Dilated cardiomyopathy 1AA. Last evaluated: 2021-12-17. Review status: criteria provided, single submitter. Criteria: UK Practice Guidelines For Variant Classification V4 01 2020. Collection method: clinical testing. Allele origin: germline. Inheritance: Autosomal dominant inheritance. Affected: yes. Observed: 1 variant allele.
Comment: ACMG Criteria: PM2_SUP, PP3 (ACMG Version 3)